The following is an entry in ClinVar:

ClinVar aggregate classification (germline): Uncertain significance. Review status: criteria provided, multiple submitters, no conflicts (2 of 4 stars). 3 submissions from 3 submitters: Uncertain significance (3). Last evaluated 2024-01-25.

Conditions:
Meckel-Gruber syndrome. Also called: DYSENCEPHALIA SPLANCHNOCYSTICA; GRUBER SYNDROME; Dysencephalia splachnocystica. Identifiers: Orphanet 564, MedGen C0265215, MONDO:0018921.
Joubert syndrome. Also called: CEREBELLOPARENCHYMAL DISORDER IV; JOUBERT-BOLTSHAUSER SYNDROME; Familial aplasia of the vermis. Identifiers: Orphanet 475, MedGen C5979921, MONDO:0018772.
Joubert syndrome 24 (JBTS24). Identifiers: Orphanet 475, MedGen C4084841, MONDO:0014724, OMIM 616654.
Meckel syndrome, type 8. Identifiers: Orphanet 564, MedGen C3836857, MONDO:0013482, OMIM 613885.
Inborn genetic diseases. Identifiers: MedGen C0950123, MeSH D030342.

Allele frequency attached by ClinVar (database versions not stated): gnomAD exomes 0.00008 and 0.00009; TOPMed 0.00011; ESP Exome Variant Server 0.00015; gnomAD 0.00005; ExAC 0.00007.

Submissions (3):

Fulgent Genetics
Classification: Uncertain significance for Meckel syndrome, type 8; Joubert syndrome 24. Last evaluated: 2024-01-25. Review status: criteria provided, single submitter. Criteria: ACMG Guidelines, 2015. Collection method: clinical testing. Allele origin: germline.

Labcorp Genetics (formerly Invitae), Labcorp
Classification: Uncertain significance for Joubert syndrome; Meckel-Gruber syndrome. Last evaluated: 2023-12-07. Review status: criteria provided, single submitter. Criteria: Invitae Variant Classification Sherloc (09022015). Collection method: clinical testing. Allele origin: germline.
Comment: This sequence change replaces proline, which is neutral and non-polar, with serine, which is neutral and polar, at codon 87 of the TCTN2 protein (p.Pro87Ser). This variant is present in population databases (rs138562955, gnomAD 0.02%). This variant has not been reported in the literature in individuals affected with TCTN2-related conditions. ClinVar contains an entry for this variant (Variation ID: 1486473). Advanced modeling of protein sequence and biophysical properties (such as structural, functional, and spatial information, amino acid conservation, physicochemical variation, residue mobility, and thermodynamic stability) performed at Invitae indicates that this missense variant is not expected to disrupt TCTN2 protein function with a negative predictive value of 80%. In summary, the available evidence is currently insufficient to determine the role of this variant in disease. Therefore, it has been classified as a Variant of Uncertain Significance.

Ambry Genetics
Classification: Uncertain significance for Inborn genetic diseases. Last evaluated: 2023-04-12. Review status: criteria provided, single submitter. Criteria: Ambry Variant Classification Scheme 2023. Collection method: clinical testing. Allele origin: germline.

NM_024809.5(TCTN2):c.259C>T (p.Pro87Ser)

Gene: TCTN2 (tectonic family member 2; plus strand). Cytogenetic location: 12q24.31.
Variant type: single nucleotide variant.
Coding change: c.259C>T on transcript NM_024809.5 (MANE Select); coding-DNA position 259, C replaced by T.
Protein change: p.Pro87Ser; replaces proline 87 with serine.
Molecular consequence: missense variant.
Genome position (GRCh38, 1-based): chr12:123,672,124, C>T. VCF-style: chr12-123672124-C-T. GRCh37 (hg19) VCF-style: chr12-124156671-C-T.
Other names: c.259C>T, p.Pro87Ser (NM_001143850.3); c.259C>T (NM_024809.3); short protein forms P87S.
Identifiers: ClinVar variation 1486473 (VCV001486473.8), dbSNP rs138562955, ClinGen allele CA6860831.
Genomic context (GRCh38, chr12:123,672,124, plus strand): 5'-CCAATTCCGACGTGTGGAGTGCTGAACAATGAGACGGAAGACTGGAGCGTGACTGTGATC[C>T]CCGGTGCGGTAAGGCCAGAAGTAAACCTTCTCTGTAGCCTGTGAAGAGGCCCCCAGCTAG-3'
Protein context (NP_079085.2, residues 77-97): ETEDWSVTVI[Pro87Ser]GAKVLEVTVR